The following is an entry in ClinVar:

ClinVar aggregate classification (germline): Uncertain significance (1 of 4 stars; one submission).

Conditions:
Familial intrahepatic cholestasis. Identifiers: Orphanet 284385, MedGen CN296401, MONDO:0017290.
Low phospholipid associated cholelithiasis (GBD1). Also called: Gallbladder disease 1; Gallstone cholecystitis. Identifiers: Orphanet 69663, MedGen C2609268, MONDO:0010939, OMIM 600803.

Submission:

Genomenon, Inc
Classification: Uncertain significance for Familial intrahepatic cholestasis; Low phospholipid associated cholelithiasis. Last evaluated: 2026-04-14. Review status: criteria provided, single submitter. Criteria: Genomenon Sequence Variant Interpretation Standards - Updated. Collection method: curation. Allele origin: germline. Affected: no.
Comment: ABCB4 p.Ser69Ala (c.205T>G) is a missense variant that changes the amino acid at residue 69 from Serine to Alanine. To our knowledge, this variant has not been reported in patients affected with an ABCB4-related disorder in the published literature. Functional studies have been reported (PMID:34107287). It is absent or not present at a significant frequency in gnomAD. In silico models predict that this variant is not damaging. In conclusion, we classify ABCB4 p.Ser69Ala (c.205T>G) as a variant of uncertain significance.

Literature cited by the submitters: PubMed 34107287.

NM_000443.4(ABCB4):c.205T>G (p.Ser69Ala)

Gene: ABCB4 (ATP binding cassette subfamily B member 4; minus strand). Cytogenetic location: 7q21.12.
Variant type: single nucleotide variant.
Coding change: c.205T>G on transcript NM_000443.4 (MANE Select); coding-DNA position 205, T replaced by G.
Protein change: p.Ser69Ala; replaces serine 69 with alanine.
Molecular consequence: missense variant.
Genome position (GRCh38, 1-based): chr7:87,462,839, A>C on the plus strand (T>G on the coding strand, the complement: ABCB4 is on the minus strand). VCF-style: chr7-87462839-A-C. GRCh37 (hg19) VCF-style: chr7-87092155-A-C.
Other names: c.205T>G, p.Ser69Ala (NM_018849.3, NM_018850.3); short protein forms S69A.
Identifiers: ClinVar variation 4846627 (VCV004846627.1).